The following is an entry in ClinVar:

ClinVar aggregate classification (germline): Uncertain significance. Review status: criteria provided, multiple submitters, no conflicts (2 of 4 stars). 2 submissions from 2 submitters: Uncertain significance (2). Last evaluated 2026-02-10.

Conditions:
Hereditary cancer-predisposing syndrome. Also called: Neoplastic Syndromes, Hereditary; Tumor predisposition; Hereditary Cancer Syndrome; Hereditary neoplastic syndrome. Identifiers: Orphanet 140162, MedGen C0027672, MeSH D009386, MONDO:0015356.
Tuberous sclerosis 2 (TSC2). Identifiers: Orphanet 805, MedGen C1860707, MONDO:0013199, OMIM 613254.

Submissions (2):

Ambry Genetics
Classification: Uncertain significance for Hereditary cancer-predisposing syndrome. Last evaluated: 2026-02-10. Review status: criteria provided, single submitter. Criteria: Ambry Variant Classification Scheme 2023. Collection method: clinical testing. Allele origin: germline.
Comment: The p.S581C variant (also known as c.1741A>T), located in coding exon 16 of the TSC2 gene, results from an A to T substitution at nucleotide position 1741. The serine at codon 581 is replaced by cysteine, an amino acid with dissimilar properties. This amino acid position is well conserved in available vertebrate species. In addition, the in silico prediction for this alteration is inconclusive. Based on the available evidence, the clinical significance of this variant remains unclear.

Labcorp Genetics (formerly Invitae), Labcorp
Classification: Uncertain significance for Tuberous sclerosis 2. Last evaluated: 2023-06-15. Review status: criteria provided, single submitter. Criteria: Invitae Variant Classification Sherloc (09022015). Collection method: clinical testing. Allele origin: germline.
Comment: In summary, the available evidence is currently insufficient to determine the role of this variant in disease. Therefore, it has been classified as a Variant of Uncertain Significance. Advanced modeling of protein sequence and biophysical properties (such as structural, functional, and spatial information, amino acid conservation, physicochemical variation, residue mobility, and thermodynamic stability) performed at Invitae indicates that this missense variant is not expected to disrupt TSC2 protein function. ClinVar contains an entry for this variant (Variation ID: 1408964). This variant has not been reported in the literature in individuals affected with TSC2-related conditions. This variant is not present in population databases (gnomAD no frequency). This sequence change replaces serine, which is neutral and polar, with cysteine, which is neutral and slightly polar, at codon 581 of the TSC2 protein (p.Ser581Cys).

NM_000548.5(TSC2):c.1741A>T (p.Ser581Cys)

Gene: TSC2 (TSC complex subunit 2; plus strand). Cytogenetic location: 16p13.3.
Variant type: single nucleotide variant.
Coding change: c.1741A>T on transcript NM_000548.5 (MANE Select); coding-DNA position 1741, A replaced by T.
Protein change: p.Ser581Cys; replaces serine 581 with cysteine.
Molecular consequence: missense variant.
Genome position (GRCh38, 1-based): chr16:2,070,480, A>T. VCF-style: chr16-2070480-A-T. GRCh37 (hg19) VCF-style: chr16-2120481-A-T.
Other names: c.1741A>T, p.Ser581Cys (NM_001077183.3, NM_001114382.3, NM_001363528.2 and 3 more transcripts); c.1630A>T, p.Ser544Cys (NM_001318827.2); c.1594A>T, p.Ser532Cys (NM_001318829.2); c.1141A>T, p.Ser381Cys (NM_001318831.2); c.1774A>T, p.Ser592Cys (NM_001318832.2); c.1741A>T (NM_000548.3); short protein forms S532C, S544C, S581C, S381C, S592C.
Identifiers: ClinVar variation 1408964 (VCV001408964.9), dbSNP rs2151278580, ClinGen allele CA394272745.